The following is an entry in ClinVar:

NM_000178.4(GSS):c.173C>T (p.Pro58Leu)

Gene: GSS (glutathione synthetase; minus strand). Cytogenetic location: 20q11.22.
Variant type: single nucleotide variant.
Coding change: c.173C>T on transcript NM_000178.4 (MANE Select); coding-DNA position 173, C replaced by T.
Protein change: p.Pro58Leu; replaces proline 58 with leucine.
Molecular consequence: missense variant.
Genome position (GRCh38, 1-based): chr20:34,946,055, G>A on the plus strand (C>T on the coding strand, the complement: GSS is on the minus strand). VCF-style: chr20-34946055-G-A. GRCh37 (hg19) VCF-style: chr20-33533858-G-A.
Other names: c.173C>T, p.Pro58Leu (NM_001322494.1, NM_001322495.1); short protein forms P58L.
Identifiers: ClinVar variation 1423093 (VCV001423093.5), dbSNP rs112712286, ClinGen allele CA313486643.

ClinVar aggregate classification (germline): Uncertain significance (1 of 4 stars; one submission).

Conditions:
Inherited glutathione synthetase deficiency. Identifiers: Orphanet 32, MedGen C5979912, MONDO:0017909.

Allele frequency attached by ClinVar (database versions not stated): TOPMed below 0.00001; gnomAD 0.00001; gnomAD exomes 0.00001.
gnomAD v4.1: 25 of 1,613,772 alleles (0.0015%); highest among the groups gnomAD compares: African/African-American, 0.016%; no homozygotes.

Submission:

Labcorp Genetics (formerly Invitae), Labcorp
Classification: Uncertain significance for Glutathione synthetase deficiency with 5-oxoprolinuria. Last evaluated: 2021-09-01. Review status: criteria provided, single submitter. Criteria: Invitae Variant Classification Sherloc (09022015). Collection method: clinical testing. Allele origin: germline.
Comment: This sequence change replaces proline with leucine at codon 58 of the GSS protein (p.Pro58Leu). The proline residue is highly conserved and there is a moderate physicochemical difference between proline and leucine. This variant is not present in population databases (ExAC no frequency). This variant has not been reported in the literature in individuals affected with GSS-related conditions. Algorithms developed to predict the effect of missense changes on protein structure and function are either unavailable or do not agree on the potential impact of this missense change (SIFT: "Deleterious"; PolyPhen-2: "Probably Damaging"; Align-GVGD: "Class C0"). In summary, the available evidence is currently insufficient to determine the role of this variant in disease. Therefore, it has been classified as a Variant of Uncertain Significance.